The following is an entry in ClinVar:

NM_001005373.4(LRSAM1):c.716C>G (p.Thr239Arg)

Gene: LRSAM1 (leucine rich repeat and sterile alpha motif containing 1; plus strand). Cytogenetic location: 9q33.3.
Variant type: single nucleotide variant.
Coding change: c.716C>G on transcript NM_001005373.4 (MANE Select); coding-DNA position 716, C replaced by G.
Protein change: p.Thr239Arg; replaces threonine 239 with arginine.
Molecular consequence: missense variant. On other transcripts: 5 prime UTR variant (1), non-coding transcript variant (2).
Genome position (GRCh38, 1-based): chr9:127,473,897, C>G. VCF-style: chr9-127473897-C-G. GRCh37 (hg19) VCF-style: chr9-130236176-C-G.
Other names: c.716C>G, p.Thr239Arg (NM_001005374.4, NM_001190723.3, NM_001384142.1 and 2 more transcripts); c.-69C>G (NM_001384144.1); short protein forms T239R.
Identifiers: ClinVar variation 2853096 (VCV002853096.3), dbSNP rs565827207, ClinGen allele CA5246658.
Genomic context (GRCh38, chr9:127,473,897, plus strand): 5'-TGCTGCCAATTCTGGAGCAAGATGGAATCGAGAACTCTCGGGACAGCCCTGATGGGCCCA[C>G]GGACAGATTCTCAAGGGAGGAGTTAGAGTGGCAGGTAAGACAAGGCAGCCTGCTGCACGC-3'
Protein context (NP_001005373.1, residues 229-249): ENSRDSPDGP[Thr239Arg]DRFSREELEW

ClinVar aggregate classification (germline): Uncertain significance (1 of 4 stars; one submission).

Conditions:
Charcot-Marie-Tooth disease axonal type 2P. Also called: Charcot-Marie-Tooth Neuropathy Type 2G; CHARCOT-MARIE-TOOTH NEUROPATHY, TYPE 2P; CHARCOT-MARIE-TOOTH DISEASE, AXONAL, TYPE 2G; CMT 2G. Identifiers: Orphanet 300319, Orphanet 99941, MedGen C3280797, MONDO:0013753, OMIM 614436.

Allele frequency attached by ClinVar (database versions not stated): TOPMed 0.00001; 1000 Genomes Project 0.00020; 1000 Genomes Project 30x 0.00016.
gnomAD v4.1: 6 of 1,614,228 alleles (0.00037%); highest among the groups gnomAD compares: African/African-American, 0.0067%; no homozygotes.

Submission:

Labcorp Genetics (formerly Invitae), Labcorp
Classification: Uncertain significance for Charcot-Marie-Tooth disease axonal type 2P. Last evaluated: 2025-12-16. Review status: criteria provided, single submitter. Criteria: Invitae Variant Classification Sherloc (09022015). Collection method: clinical testing. Allele origin: germline.
Comment: This sequence change replaces threonine, which is neutral and polar, with arginine, which is basic and polar, at codon 239 of the LRSAM1 protein (p.Thr239Arg). This variant is present in population databases (rs565827207, gnomAD 0.01%). This variant has not been reported in the literature in individuals affected with LRSAM1-related conditions. ClinVar contains an entry for this variant (Variation ID: 2853096). An algorithm developed to predict the effect of missense changes on protein structure and function (PolyPhen-2) suggests that this variant is likely to be tolerated. In summary, the available evidence is currently insufficient to determine the role of this variant in disease. Therefore, it has been classified as a Variant of Uncertain Significance.